The following is an entry in ClinVar:

ClinVar aggregate classification (germline): Uncertain significance (1 of 4 stars; one submission).

Conditions:
Autoimmune lymphoproliferative syndrome type 2A (ALPS2A). Also called: Autoimmune lymphoproliferative syndrome type 2; CASP10-Related Autoimmune Lymphoproliferative Syndrome; AUTOIMMUNE LYMPHOPROLIFERATIVE SYNDROME, TYPE IIA. Identifiers: Orphanet 3261, MedGen C1858968, MONDO:0011383, OMIM 603909.

Submission:

Labcorp Genetics (formerly Invitae), Labcorp
Classification: Uncertain significance for Autoimmune lymphoproliferative syndrome type 2A. Last evaluated: 2025-05-27. Review status: criteria provided, single submitter. Criteria: Invitae Variant Classification Sherloc (09022015). Collection method: clinical testing. Allele origin: germline.
Comment: This sequence change replaces tyrosine, which is neutral and polar, with histidine, which is basic and polar, at codon 84 of the CASP10 protein (p.Tyr84His). This variant is not present in population databases (gnomAD no frequency). This variant has not been reported in the literature in individuals affected with CASP10-related conditions. ClinVar contains an entry for this variant (Variation ID: 1365892). Invitae Evidence Modeling of protein sequence and biophysical properties (such as structural, functional, and spatial information, amino acid conservation, physicochemical variation, residue mobility, and thermodynamic stability) indicates that this missense variant is not expected to disrupt CASP10 protein function with a negative predictive value of 80%. In summary, the available evidence is currently insufficient to determine the role of this variant in disease. Therefore, it has been classified as a Variant of Uncertain Significance.

NM_032977.4(CASP10):c.250T>C (p.Tyr84His)

Gene: CASP10 (caspase 10; plus strand). Cytogenetic location: 2q33.1.
Variant type: single nucleotide variant.
Coding change: c.250T>C on transcript NM_032977.4 (MANE Select); coding-DNA position 250, T replaced by C.
Protein change: p.Tyr84His; replaces tyrosine 84 with histidine.
Molecular consequence: missense variant.
Genome position (GRCh38, 1-based): chr2:201,186,027, T>C. VCF-style: chr2-201186027-T-C. GRCh37 (hg19) VCF-style: chr2-202050750-T-C.
Other names: c.250T>C, p.Tyr84His (NM_001206524.2, NM_001206542.2, NM_001230.5 and 3 more transcripts); short protein forms Y84H.
Identifiers: ClinVar variation 1365892 (VCV001365892.8), dbSNP rs2126005350, ClinGen allele CA350277908.